The following is an entry in ClinVar:

ClinVar aggregate classification (germline): Likely pathogenic (1 of 4 stars; one submission).

Conditions:
Phosphoribosylpyrophosphate synthetase superactivity. Identifiers: Orphanet 3222, MedGen C1970827, MONDO:0010395, OMIM 300661.

Submission:

MVZ Medizinische Genetik Mainz
Classification: Likely pathogenic for Phosphoribosylpyrophosphate synthetase superactivity. Last evaluated: 2025-12-10. Review status: criteria provided, single submitter. Criteria: UK Practice Guidelines For Variant Classification V4 01 2020. Collection method: clinical testing. Allele origin: germline. Inheritance: X-linked dominant inheritance. Affected: yes. Observed: 1 variant allele.
Comment: ACMG Criteria: PP3_STR,PM2_SUP,PP2

NM_002764.4(PRPS1):c.155A>C (p.Asp52Ala)

Gene: PRPS1 (phosphoribosyl pyrophosphate synthetase 1; plus strand). Cytogenetic location: Xq22.3.
Variant type: single nucleotide variant.
Coding change: c.155A>C on transcript NM_002764.4 (MANE Select); coding-DNA position 155, A replaced by C.
Protein change: p.Asp52Ala; replaces aspartic acid 52 with alanine.
Molecular consequence: missense variant. On other transcripts: intron variant (1).
Genome position (GRCh38, 1-based): chrX:107,639,327, A>C. VCF-style: chrX-107639327-A-C. GRCh37 (hg19) VCF-style: chrX-106882557-A-C.
Other names: c.-82-5850A>C (NM_001204402.2); short protein forms D52A.
Identifiers: ClinVar variation 4540444 (VCV004540444.1).